The following is an entry in ClinVar:

NM_002860.4(ALDH18A1):c.1923+302_1923+303insTC

Genes: ALDH18A1 (aldehyde dehydrogenase 18 family member A1; minus strand), LOC121815958 (Sharpr-MPRA regulatory region 3716; plus strand). Cytogenetic location: 10q24.1.
Variant type: Insertion.
Coding change: c.1923+302_1923+303insTC on transcript NM_002860.4 (MANE Select); bases 302 to 303 of the intron after coding-DNA position 1923, TC inserted.
Molecular consequence: intron variant.
Genome position: GRCh38 VCF-style: chr10-95613439-T-TGA. GRCh37 (hg19) VCF-style: chr10-97373196-T-TGA.
Other names: c.1287+302_1287+303insTC (NM_001323419.2); c.1590+302_1590+303insTC (NM_001323412.2, NM_001323416.2); c.1818+302_1818+303insTC (NM_001323417.2); c.1917+302_1917+303insTC (NM_001017423.2, NM_001323415.2); c.1584+302_1584+303insTC (NM_001323418.2); c.1923+302_1923+303insTC (NM_001323413.2, NM_001323414.2).
Identifiers: ClinVar variation 683039 (VCV000683039.1), dbSNP rs68097195, ClinGen allele CA211788612.

ClinVar aggregate classification (germline): Benign (1 of 4 stars; one submission).

Allele frequency attached by ClinVar (database versions not stated): 1000 Genomes Project 0.29792; 1000 Genomes Project 30x 0.30450; gnomAD 0.41054.

Submission:

GeneDx
Classification: Benign. Last evaluated: 2018-06-18. Review status: criteria provided, single submitter. Criteria: GeneDx Variant Classification (06012015). Collection method: clinical testing. Allele origin: germline. Affected: yes.
Comment: This variant is considered likely benign or benign based on one or more of the following criteria: it is a conservative change, it occurs at a poorly conserved position in the protein, it is predicted to be benign by multiple in silico algorithms, and/or has population frequency not consistent with disease.